The following is an entry in ClinVar:

ClinVar aggregate classification (germline): Uncertain significance (1 of 4 stars; one submission).

Allele frequency attached by ClinVar (database versions not stated): TOPMed below 0.00001; gnomAD 0.00001; gnomAD exomes 0.00001.
gnomAD v4.1: 23 of 1,614,084 alleles (0.0014%); highest among the groups gnomAD compares: Middle Eastern, 0.016%; no homozygotes.

Submission:

Labcorp Genetics (formerly Invitae), Labcorp
Classification: Uncertain significance. Last evaluated: 2023-10-18. Review status: criteria provided, single submitter. Criteria: Invitae Variant Classification Sherloc (09022015). Collection method: clinical testing. Allele origin: germline.
Comment: This sequence change replaces threonine, which is neutral and polar, with isoleucine, which is neutral and non-polar, at codon 420 of the CDHR1 protein (p.Thr420Ile). This variant is not present in population databases (gnomAD no frequency). This variant has not been reported in the literature in individuals affected with CDHR1-related conditions. Advanced modeling of protein sequence and biophysical properties (such as structural, functional, and spatial information, amino acid conservation, physicochemical variation, residue mobility, and thermodynamic stability) performed at Invitae indicates that this missense variant is not expected to disrupt CDHR1 protein function. In summary, the available evidence is currently insufficient to determine the role of this variant in disease. Therefore, it has been classified as a Variant of Uncertain Significance.

NM_033100.4(CDHR1):c.1259C>T (p.Thr420Ile)

Gene: CDHR1 (cadherin related family member 1; plus strand). Cytogenetic location: 10q23.1.
Variant type: single nucleotide variant.
Coding change: c.1259C>T on transcript NM_033100.4 (MANE Select); coding-DNA position 1259, C replaced by T.
Protein change: p.Thr420Ile; replaces threonine 420 with isoleucine.
Molecular consequence: missense variant.
Genome position (GRCh38, 1-based): chr10:84,208,820, C>T. VCF-style: chr10-84208820-C-T. GRCh37 (hg19) VCF-style: chr10-85968576-C-T.
Other names: c.1259C>T, p.Thr420Ile (NM_001171971.3); short protein forms T420I.
Identifiers: ClinVar variation 2987440 (VCV002987440.3), dbSNP rs1392539975, ClinGen allele CA377375584.